The following is an entry in ClinVar:

ClinVar aggregate classification (germline): Pathogenic, low penetrance (1 of 4 stars; one submission).

Conditions:
Atypical hemolytic-uremic syndrome. Identifiers: Orphanet 2134, MedGen C2931788, MONDO:0016244.

Submission:

Genomenon, Inc
Classification: Pathogenic, low penetrance for Atypical hemolytic-uremic syndrome. Last evaluated: 2025-10-02. Review status: criteria provided, single submitter. Criteria: Genomenon Sequence Variant Interpretation Standards - Updated. Collection method: curation. Allele origin: germline. Affected: yes.
Comment: CFH p.Leu1141Ter (c.3422T>A) is a nonsense variant that introduces a premature stop codon at amino acid position 1141, creating a truncated protein that is predicted to undergo nonsense-mediated mRNA decay. This variant has been observed in at least one proband affected with atypical hemolytic-uremic syndrome (PMID:31328266). It is absent or not present at a significant frequency in gnomAD. In conclusion, we classify CFH p.Leu1141Ter (c.3422T>A) as a pathogenic, low penetrance variant.

Literature cited by the submitters: PubMed 31328266.

NM_000186.4(CFH):c.3422T>A (p.Leu1141Ter)

Gene: CFH (complement factor H; plus strand). Cytogenetic location: 1q31.3.
Variant type: single nucleotide variant.
Coding change: c.3422T>A on transcript NM_000186.4 (MANE Select); coding-DNA position 3422, T replaced by A.
Protein change: p.Leu1141Ter; replaces leucine 1141 with a stop codon.
Molecular consequence: nonsense.
Genome position (GRCh38, 1-based): chr1:196,745,928, T>A. VCF-style: chr1-196745928-T-A. GRCh37 (hg19) VCF-style: chr1-196715058-T-A.
Other names: short protein forms L1141*.
Identifiers: ClinVar variation 4291569 (VCV004291569.1).